The following is an entry in ClinVar:

NM_000540.3(RYR1):c.14049G>A (p.Glu4683=)

Gene: RYR1 (ryanodine receptor 1; plus strand). Cytogenetic location: 19q13.2.
Variant type: single nucleotide variant.
Coding change: c.14049G>A on transcript NM_000540.3 (MANE Select); coding-DNA position 14049, G replaced by A.
Protein change: p.Glu4683=; no amino-acid change (glutamic acid 4683 retained).
Molecular consequence: synonymous variant.
Genome position (GRCh38, 1-based): chr19:38,573,227, G>A. VCF-style: chr19-38573227-G-A. GRCh37 (hg19) VCF-style: chr19-39063867-G-A.
Other names: c.14034G>A, p.Glu4678= (NM_001042723.2).
Identifiers: ClinVar variation 544456 (VCV000544456.5), dbSNP rs754600386, ClinGen allele CA060784.

ClinVar aggregate classification (germline): Likely benign. Review status: criteria provided, multiple submitters, no conflicts (2 of 4 stars). 2 submissions from 2 submitters: Likely benign (2). Last evaluated 2024-02-05.

Conditions:
Malignant hyperthermia, susceptibility to, 1 (MHS1). Also called: RYR1-Related Malignant Hyperthermia Susceptibility; Anesthesia related hyperthermia; Malignant hyperpyrexia; Fulminating hyperpyrexia; Pharmacogenic myopathy; Malignant hyperthermia suceptibility 1. Identifiers: Orphanet 423, MedGen C2930980, MONDO:0007783, OMIM 145600.
RYR1-related disorder. Also called: RYR1-related condition; RYR1-related disorders. Identifiers: MedGen CN239331.

Allele frequency attached by ClinVar (database versions not stated): gnomAD exomes below 0.00001; ExAC 0.00001; TOPMed 0.00001; gnomAD 0.00002.
gnomAD v4.1: 3 of 1,613,952 alleles (0.00019%); highest among the groups gnomAD compares: African/African-American, 0.004%; no homozygotes.

Submissions (2):

All of Us Research Program, National Institutes of Health
Classification: Likely benign for Malignant hyperthermia, susceptibility to, 1. Last evaluated: 2024-02-05. Review status: criteria provided, single submitter. Criteria: ACMG Guidelines, 2015. Collection method: clinical testing. Allele origin: germline. Inheritance: Autosomal dominant inheritance. Observed: 1 variant allele, 1 heterozygote.
Comment: This study involves interpretation of variants in research participants for the purpose of population health screening. Participant phenotype was not available at the time of variant classification. Additional details can be found in publication PMID: 35346344, PMCID: PMC8962531

Labcorp Genetics (formerly Invitae), Labcorp
Classification: Likely benign for RYR1-related disorder. Last evaluated: 2017-09-27. Review status: criteria provided, single submitter. Criteria: Invitae Variant Classification Sherloc (09022015). Collection method: clinical testing. Allele origin: germline.